The following is an entry in ClinVar:

NM_001942.4(DSG1):c.872G>A (p.Arg291Lys)

Gene: DSG1 (desmoglein 1; plus strand). Cytogenetic location: 18q12.1.
Variant type: single nucleotide variant.
Coding change: c.872G>A on transcript NM_001942.4 (MANE Select); coding-DNA position 872, G replaced by A.
Protein change: p.Arg291Lys; replaces arginine 291 with lysine.
Molecular consequence: missense variant.
Genome position (GRCh38, 1-based): chr18:31,334,069, G>A. VCF-style: chr18-31334069-G-A. GRCh37 (hg19) VCF-style: chr18-28914032-G-A.
Other names: short protein forms R291K.
Identifiers: ClinVar variation 4696917 (VCV004696917.1).
Genomic context (GRCh38, chr18:31,334,069, plus strand): 5'-TGTTTCAGTATACCATAGAAATTCAAGAAAATACTCTAAATTCAAATTTGCTCGAGATTA[G>A]AGTAATTGATTTGGATGAAGAGTTCTCAGCTAACTGGATGGCAGTAATTTTCTTTATCTC-3'
Protein context (NP_001933.2, residues 281-301): NTLNSNLLEI[Arg291Lys]VIDLDEEFSA

ClinVar aggregate classification (germline): Uncertain significance (1 of 4 stars; one submission).

gnomAD v4.1: 1 of 1,611,044 alleles (0.000062%); highest among the groups gnomAD compares: Non-Finnish European, 0.000085%; no homozygotes.

Submission:

Labcorp Genetics (formerly Invitae), Labcorp
Classification: Uncertain significance. Last evaluated: 2025-08-24. Review status: criteria provided, single submitter. Criteria: Invitae Variant Classification Sherloc (09022015). Collection method: clinical testing. Allele origin: germline.
Comment: This sequence change replaces arginine, which is basic and polar, with lysine, which is basic and polar, at codon 291 of the DSG1 protein (p.Arg291Lys). This variant is not present in population databases (gnomAD no frequency). This variant has not been reported in the literature in individuals affected with DSG1-related conditions. Invitae Evidence Modeling of protein sequence and biophysical properties (such as structural, functional, and spatial information, amino acid conservation, physicochemical variation, residue mobility, and thermodynamic stability) indicates that this missense variant is not expected to disrupt DSG1 protein function with a negative predictive value of 80%. In summary, the available evidence is currently insufficient to determine the role of this variant in disease. Therefore, it has been classified as a Variant of Uncertain Significance.